The following is an entry in ClinVar:

NM_004369.4(COL6A3):c.4296T>A (p.Ser1432Arg)

Gene: COL6A3 (collagen type VI alpha 3 chain; minus strand). Cytogenetic location: 2q37.3.
Variant type: single nucleotide variant.
Coding change: c.4296T>A on transcript NM_004369.4 (MANE Select); coding-DNA position 4296, T replaced by A.
Protein change: p.Ser1432Arg; replaces serine 1432 with arginine.
Molecular consequence: missense variant.
Genome position (GRCh38, 1-based): chr2:237,369,167, A>T on the plus strand (T>A on the coding strand, the complement: COL6A3 is on the minus strand). VCF-style: chr2-237369167-A-T. GRCh37 (hg19) VCF-style: chr2-238277810-A-T.
Other names: c.2475T>A, p.Ser825Arg (NM_057166.5); c.3678T>A, p.Ser1226Arg (NM_057167.4); short protein forms S1432R, S1226R, S825R.
Identifiers: ClinVar variation 961069 (VCV000961069.10), dbSNP rs2077626425, ClinGen allele CA351193853.

ClinVar aggregate classification (germline): Uncertain significance (1 of 4 stars; one submission).

Conditions:
Bethlem myopathy 1A. Also called: Bethlem Muscular Dystrophy; Bethlem myopathy 1; MYOPATHY, BENIGN CONGENITAL, WITH CONTRACTURES. Identifiers: Orphanet 610, MedGen CN029274, MONDO:0024530, OMIM 158810.

gnomAD v4.1: 24 of 1,611,178 alleles (0.0015%); highest among the groups gnomAD compares: East Asian, 0.0022%; no homozygotes.

Submission:

Labcorp Genetics (formerly Invitae), Labcorp
Classification: Uncertain significance for Bethlem myopathy 1A. Last evaluated: 2019-08-17. Review status: criteria provided, single submitter. Criteria: Invitae Variant Classification Sherloc (09022015). Collection method: clinical testing. Allele origin: germline.
Comment: In summary, the available evidence is currently insufficient to determine the role of this variant in disease. Therefore, it has been classified as a Variant of Uncertain Significance. Algorithms developed to predict the effect of missense changes on protein structure and function are either unavailable or do not agree on the potential impact of this missense change (SIFT: "Tolerated"; PolyPhen-2: "Possibly Damaging"; Align-GVGD: "Class C0"). This variant has not been reported in the literature in individuals with COL6A3-related conditions. This variant is not present in population databases (ExAC no frequency). This sequence change replaces serine with arginine at codon 1432 of the COL6A3 protein (p.Ser1432Arg). The serine residue is moderately conserved and there is a moderate physicochemical difference between serine and arginine.